The following is an entry in ClinVar:

ClinVar aggregate classification (germline): Uncertain significance (1 of 4 stars; one submission).

Submission:

Ambry Genetics
Classification: Uncertain significance. Last evaluated: 2024-01-03. Review status: criteria provided, single submitter. Criteria: Ambry Variant Classification Scheme 2023. Collection method: clinical testing. Allele origin: germline.
Comment: The p.A1367S variant (also known as c.4099G>T), located in coding exon 37 of the KIF1B gene, results from a G to T substitution at nucleotide position 4099. The alanine at codon 1367 is replaced by serine, an amino acid with similar properties. This amino acid position is conserved. In addition, the in silico prediction for this alteration is inconclusive. Since supporting evidence is limited at this time, the clinical significance of this alteration remains unclear.

NM_001365951.3(KIF1B):c.4237G>T (p.Ala1413Ser)

Gene: KIF1B (kinesin family member 1B; plus strand). Cytogenetic location: 1p36.22.
Variant type: single nucleotide variant.
Coding change: c.4237G>T on transcript NM_001365951.3 (MANE Select); coding-DNA position 4237, G replaced by T.
Protein change: p.Ala1413Ser; replaces alanine 1413 with serine.
Molecular consequence: missense variant.
Genome position (GRCh38, 1-based): chr1:10,361,758, G>T. VCF-style: chr1-10361758-G-T. GRCh37 (hg19) VCF-style: chr1-10421816-G-T.
Other names: c.4237G>T, p.Ala1413Ser (NM_001365952.1); c.4099G>T, p.Ala1367Ser (NM_015074.3); short protein forms A1367S, A1413S.
Identifiers: ClinVar variation 3226486 (VCV003226486.1), dbSNP rs1553170117, ClinGen allele CA338317517.